The following is an entry in ClinVar:

NM_172364.5(CACNA2D4):c.2723C>T (p.Thr908Met)

Gene: CACNA2D4 (calcium voltage-gated channel auxiliary subunit alpha2delta 4; minus strand). Cytogenetic location: 12p13.33.
Variant type: single nucleotide variant.
Coding change: c.2723C>T on transcript NM_172364.5 (MANE Select); coding-DNA position 2723, C replaced by T.
Protein change: p.Thr908Met; replaces threonine 908 with methionine.
Molecular consequence: missense variant.
Genome position (GRCh38, 1-based): chr12:1,801,643, G>A on the plus strand (C>T on the coding strand, the complement: CACNA2D4 is on the minus strand). VCF-style: chr12-1801643-G-A. GRCh37 (hg19) VCF-style: chr12-1910809-G-A.
Other names: short protein forms T908M.
Identifiers: ClinVar variation 866692 (VCV000866692.12), dbSNP rs553620421, ClinGen allele CA6386220.

ClinVar aggregate classification (germline): Conflicting classifications of pathogenicity. Review status: criteria provided, conflicting classifications (1 of 4 stars). 4 submissions from 4 submitters: Uncertain significance (2); Likely benign (2). Last evaluated 2025-10-15.

Conditions:
Inborn genetic diseases. Identifiers: MedGen C0950123, MeSH D030342.

Allele frequency attached by ClinVar (database versions not stated): TOPMed 0.00008; 1000 Genomes Project 30x 0.00016; 1000 Genomes Project 0.00020.
gnomAD v4.1: 160 of 1,580,202 alleles (0.01%); highest among the groups gnomAD compares: Middle Eastern, 0.017%; 3 homozygotes.

Submissions (4):

Labcorp Genetics (formerly Invitae), Labcorp
Classification: Uncertain significance. Last evaluated: 2025-10-15. Review status: criteria provided, single submitter. Criteria: Invitae Variant Classification Sherloc (09022015). Collection method: clinical testing. Allele origin: germline.
Comment: This sequence change replaces threonine, which is neutral and polar, with methionine, which is neutral and non-polar, at codon 908 of the CACNA2D4 protein (p.Thr908Met). This variant is present in population databases (rs553620421, gnomAD 0.02%). This variant has not been reported in the literature in individuals affected with CACNA2D4-related conditions. ClinVar contains an entry for this variant (Variation ID: 866692). An algorithm developed to predict the effect of missense changes on protein structure and function outputs the following: PolyPhen-2: "Benign". The methionine amino acid residue is found in multiple mammalian species, which suggests that this missense change does not adversely affect protein function. In summary, the available evidence is currently insufficient to determine the role of this variant in disease. Therefore, it has been classified as a Variant of Uncertain Significance.

Ambry Genetics
Classification: Likely benign for Inborn genetic diseases. Last evaluated: 2025-04-25. Review status: criteria provided, single submitter. Criteria: Ambry Variant Classification Scheme 2023. Collection method: clinical testing. Allele origin: germline.

Blueprint Genetics
Classification: Likely benign. Last evaluated: 2024-07-02. Review status: criteria provided, single submitter. Criteria: ACMG Guidelines, 2015. Collection method: clinical testing. Allele origin: germline.

Breakthrough Genomics
Classification: Uncertain significance. Review status: criteria provided, single submitter. Criteria: ACMG Guidelines, 2015. Collection method: not provided. Allele origin: germline. Inheritance: Autosomal recessive inheritance. Affected: yes.